The following is an entry in ClinVar:

NM_000051.4(ATM):c.5953A>G (p.Thr1985Ala)

Genes: C11orf65 (chromosome 11 open reading frame 65; minus strand), ATM (ATM serine/threonine kinase; plus strand). Cytogenetic location: 11q22.3.
Variant type: single nucleotide variant.
Coding change: c.5953A>G on transcript NM_000051.4 (MANE Select); coding-DNA position 5953, A replaced by G.
Protein change: p.Thr1985Ala; replaces threonine 1985 with alanine.
Molecular consequence: missense variant. On other transcripts: intron variant (2).
Genome position (GRCh38, 1-based): chr11:108,312,445, A>G. VCF-style: chr11-108312445-A-G. GRCh37 (hg19) VCF-style: chr11-108183172-A-G.
Other names: c.5953A>G, p.Thr1985Ala (NM_001351834.2); c.641-3374T>C (NM_001330368.2); c.*39-3374T>C (NM_001351110.2); short protein forms T1985A.
Identifiers: ClinVar variation 246420 (VCV000246420.28), dbSNP rs879254252, ClinGen allele CA10584353.

ClinVar aggregate classification (germline): Uncertain significance. Review status: criteria provided, multiple submitters, no conflicts (2 of 4 stars). 4 submissions from 4 submitters: Uncertain significance (3). 1 of the submissions does not count toward it. Last evaluated 2025-10-29.

Conditions:
Hereditary cancer-predisposing syndrome. Also called: Neoplastic Syndromes, Hereditary; Hereditary neoplastic syndrome; Tumor predisposition; Hereditary Cancer Syndrome. Identifiers: Orphanet 140162, MedGen C0027672, MeSH D009386, MONDO:0015356.
Ataxia-telangiectasia syndrome (AT). Also called: Ataxia telangiectasia (A-T); Cerebello-oculocutaneous telangiectasia; Immunodeficiency with ataxia telangiectasia; LOUIS-BAR SYNDROME; AT, COMPLEMENTATION GROUP C; ATAXIA-TELANGIECTASIA, FRESNO VARIANT. Identifiers: Orphanet 100, MedGen C0004135, MONDO:0008840, OMIM 208900.

Allele frequency attached by ClinVar (database versions not stated): gnomAD exomes below 0.00001.

Submissions (4):

Labcorp Genetics (formerly Invitae), Labcorp
Classification: Uncertain significance for Ataxia-telangiectasia syndrome. Last evaluated: 2025-10-29. Review status: criteria provided, single submitter. Criteria: Invitae Variant Classification Sherloc (09022015). Collection method: clinical testing. Allele origin: germline.
Comment: This sequence change replaces threonine, which is neutral and polar, with alanine, which is neutral and non-polar, at codon 1985 of the ATM protein (p.Thr1985Ala). This variant is present in population databases (no rsID available, gnomAD 0.006%). This variant has not been reported in the literature in individuals affected with ATM-related conditions. ClinVar contains an entry for this variant (Variation ID: 246420). Invitae Evidence Modeling of protein sequence and biophysical properties (such as structural, functional, and spatial information, amino acid conservation, physicochemical variation, residue mobility, and thermodynamic stability) indicates that this missense variant is not expected to disrupt ATM protein function with a negative predictive value of 95%. In summary, the available evidence is currently insufficient to determine the role of this variant in disease. Therefore, it has been classified as a Variant of Uncertain Significance.

Ambry Genetics
Classification: Uncertain significance for Hereditary cancer-predisposing syndrome. Last evaluated: 2025-04-09. Review status: criteria provided, single submitter. Criteria: Ambry Variant Classification Scheme 2023. Collection method: clinical testing. Allele origin: germline.
Comment: The p.T1985A variant (also known as c.5953A>G), located in coding exon 39 of the ATM gene, results from an A to G substitution at nucleotide position 5953. The threonine at codon 1985 is replaced by alanine, an amino acid with similar properties. This alteration has been reported in at least one subject in a study of 13087 breast cancer cases and 5488 control individuals in the UK (Decker B et al. J. Med. Genet., 2017 11;54(11):732-741). In one functional study, the T1985A alteration, in combination with alterations at nearby residues, was found to have normal ATM activity (Zhou Y et al. Mol. Cell., 2017 Jan;65(1):91-104). This amino acid position is not well conserved in available vertebrate species. In addition, this alteration is predicted to be tolerated by in silico analysis. Since supporting evidence is limited at this time, the clinical significance of this alteration remains unclear.

GeneDx
Classification: Uncertain significance. Last evaluated: 2017-12-29. Review status: criteria provided, single submitter. Criteria: GeneDx Variant Classification (06012015). Collection method: clinical testing. Allele origin: germline. Affected: yes.
Comment: This variant is denoted ATM c.5953A>G at the cDNA level, p.Thr1985Ala (T1985A) at the protein level, and results in the change of a Threonine to an Alanine (ACT>GCT). This variant has been reported in at least one individual with breast cancer (Decker 2017). Functional studies interrogating ATM Thr1985Ala on its own or in combination with variants at neighboring residues found no impact on phosphorylation or kinase activity (Yamaguchi 2007, Zhou 2017). ATM Thr1985Ala was not observed at a significant allele frequency in large population cohorts (Lek 2016). This variant is located in the FAT domain (Stracker 2013). In-silico analysis, which includes protein predictors and evolutionary conservation, supports that this variant does not alter protein structure/function. Based on currently available evidence, it is unclear whether ATM Thr1985Ala is pathogenic or benign. We consider it to be a variant of uncertain significance.

Natera, Inc.
Classification: Uncertain significance for Ataxia-telangiectasia. Last evaluated: 2021-10-08. Review status: no assertion criteria provided. Collection method: clinical testing. Allele origin: germline. Not counted in ClinVar's aggregate classification.